The following is an entry in ClinVar:

ClinVar aggregate classification (germline): Uncertain significance (1 of 4 stars; one submission).

Allele frequency attached by ClinVar (database versions not stated): gnomAD exomes below 0.00001.
gnomAD v4.1: 2 of 1,614,036 alleles (0.00012%); highest among the groups gnomAD compares: African/African-American, 0.0013%; no homozygotes.

Submission:

Labcorp Genetics (formerly Invitae), Labcorp
Classification: Uncertain significance. Last evaluated: 2023-03-03. Review status: criteria provided, single submitter. Criteria: Invitae Variant Classification Sherloc (09022015). Collection method: clinical testing. Allele origin: germline.
Comment: In summary, the available evidence is currently insufficient to determine the role of this variant in disease. Therefore, it has been classified as a Variant of Uncertain Significance. Algorithms developed to predict the effect of missense changes on protein structure and function output the following: SIFT: "Not Available"; PolyPhen-2: "Benign"; Align-GVGD: "Not Available". The proline amino acid residue is found in multiple mammalian species, which suggests that this missense change does not adversely affect protein function. This variant has not been reported in the literature in individuals affected with TAOK2-related conditions. This variant is not present in population databases (gnomAD no frequency). This sequence change replaces threonine, which is neutral and polar, with proline, which is neutral and non-polar, at codon 869 of the TAOK2 protein (p.Thr869Pro).

NM_016151.4(TAOK2):c.2605A>C (p.Thr869Pro)

Gene: TAOK2 (TAO kinase 2; plus strand). Cytogenetic location: 16p11.2.
Variant type: single nucleotide variant.
Coding change: c.2605A>C on transcript NM_016151.4 (MANE Select); coding-DNA position 2605, A replaced by C.
Protein change: p.Thr869Pro; replaces threonine 869 with proline.
Molecular consequence: missense variant. On other transcripts: intron variant (1).
Genome position (GRCh38, 1-based): chr16:29,986,877, A>C. VCF-style: chr16-29986877-A-C. GRCh37 (hg19) VCF-style: chr16-29998198-A-C.
Other names: c.2266A>C, p.Thr756Pro (NM_001252043.2); c.2232+373A>C (NM_004783.4); short protein forms T756P, T869P.
Identifiers: ClinVar variation 2792538 (VCV002792538.3), dbSNP rs1207933586, ClinGen allele CA395493107.